The following is an entry in ClinVar:

NM_182914.3(SYNE2):c.58G>A (p.Asp20Asn)

Gene: SYNE2 (spectrin repeat containing nuclear envelope protein 2; plus strand). Cytogenetic location: 14q23.2.
Variant type: single nucleotide variant.
Coding change: c.58G>A on transcript NM_182914.3 (MANE Select); coding-DNA position 58, G replaced by A.
Protein change: p.Asp20Asn; replaces aspartic acid 20 with asparagine.
Molecular consequence: missense variant.
Genome position (GRCh38, 1-based): chr14:63,909,206, G>A. VCF-style: chr14-63909206-G-A. GRCh37 (hg19) VCF-style: chr14-64375924-G-A.
Other names: c.58G>A, p.Asp20Asn (NM_015180.6); c.58G>A (NM_182914.2); short protein forms D20N.
Identifiers: ClinVar variation 2712491 (VCV002712491.4), dbSNP rs770930910, ClinGen allele CA7218969.

ClinVar aggregate classification (germline): Conflicting classifications of pathogenicity. Review status: criteria provided, conflicting classifications (1 of 4 stars). 2 submissions from 2 submitters: Uncertain significance (1); Likely benign (1). Last evaluated 2025-05-07.

Conditions:
Emery-Dreifuss muscular dystrophy 5, autosomal dominant (EDMD5). Also called: EMERY-DREIFUSS MUSCULAR DYSTROPHY 5. Identifiers: Orphanet 261, MedGen C2751805, MONDO:0013072, OMIM 612999.

Allele frequency attached by ClinVar (database versions not stated): ExAC 0.00001; gnomAD 0.00001; gnomAD exomes 0.00001.
gnomAD v4.1: 10 of 1,612,404 alleles (0.00062%); highest among the groups gnomAD compares: African/African-American, 0.004%; no homozygotes.

Submissions (2):

Ambry Genetics
Classification: Likely benign. Last evaluated: 2025-05-07. Review status: criteria provided, single submitter. Criteria: Ambry Variant Classification Scheme 2023. Collection method: clinical testing. Allele origin: germline.

Labcorp Genetics (formerly Invitae), Labcorp
Classification: Uncertain significance for Emery-Dreifuss muscular dystrophy 5, autosomal dominant. Last evaluated: 2024-01-19. Review status: criteria provided, single submitter. Criteria: Invitae Variant Classification Sherloc (09022015). Collection method: clinical testing. Allele origin: germline.
Comment: This sequence change replaces aspartic acid, which is acidic and polar, with asparagine, which is neutral and polar, at codon 20 of the SYNE2 protein (p.Asp20Asn). This variant is present in population databases (rs770930910, gnomAD 0.007%). This variant has not been reported in the literature in individuals affected with SYNE2-related conditions. Algorithms developed to predict the effect of missense changes on protein structure and function output the following: SIFT: "Not Available"; PolyPhen-2: "Benign"; Align-GVGD: "Not Available". The asparagine amino acid residue is found in multiple mammalian species, which suggests that this missense change does not adversely affect protein function. In summary, the available evidence is currently insufficient to determine the role of this variant in disease. Therefore, it has been classified as a Variant of Uncertain Significance.